The following is an entry in ClinVar:

NM_001111125.3(IQSEC2):c.959C>T (p.Ser320Leu)

Gene: IQSEC2 (IQ motif and Sec7 domain ArfGEF 2; minus strand). Cytogenetic location: Xp11.22.
Variant type: single nucleotide variant.
Coding change: c.959C>T on transcript NM_001111125.3 (MANE Select); coding-DNA position 959, C replaced by T.
Protein change: p.Ser320Leu; replaces serine 320 with leucine.
Molecular consequence: missense variant.
Genome position (GRCh38, 1-based): chrX:53,255,840, G>A on the plus strand (C>T on the coding strand, the complement: IQSEC2 is on the minus strand). VCF-style: chrX-53255840-G-A. GRCh37 (hg19) VCF-style: chrX-53285022-G-A.
Other names: c.959C>T, p.Ser320Leu (NM_001410736.1); c.344C>T, p.Ser115Leu (NM_015075.2); c.959C>T (NM_001111125.2); short protein forms S115L, S320L.
Identifiers: ClinVar variation 2085651 (VCV002085651.5), dbSNP rs1196734452, ClinGen allele CA413171196.
Genomic context (GRCh38, chrX:53,255,840, plus strand): 5'-ACCAGATGCCTCTGTTGCACCTTCTTGTCCTGCAGGTCTGTGGAGAGTTCATAGCTGTCC[G>A]ATAGGGCCTTGGAGCGCTTTATCTCCTCCTCCTCCTGCTTCCTCAGGGCGACACTGGCTG-3'
Protein context (NP_001104595.1, residues 310-330): EEEIKRSKAL[Ser320Leu]DSYELSTDLQ

ClinVar aggregate classification (germline): Uncertain significance. Review status: criteria provided, multiple submitters, no conflicts (2 of 4 stars). 2 submissions from 2 submitters: Uncertain significance (2). Last evaluated 2025-01-10.

Conditions:
Intellectual developmental disorder, X-linked 1. Also called: Atkin Flaitz Patil Smith syndrome; Intellectual disability, X-linked 1; MENTAL RETARDATION, X-LINKED 18; MENTAL RETARDATION, X-LINKED 78. Identifiers: Orphanet 777, MedGen C2931498, MONDO:0010656, OMIM 309530.
Inborn genetic diseases. Identifiers: MedGen C0950123, MeSH D030342.

Allele frequency attached by ClinVar (database versions not stated): gnomAD exomes 0.00001; gnomAD 0.00004; TOPMed 0.00007.
gnomAD v4.1: 13 of 1,210,119 alleles (0.0011%); highest among the groups gnomAD compares: Admixed American, 0.0087%; no homozygotes.

Submissions (2):

Ambry Genetics
Classification: Uncertain significance for Inborn genetic diseases. Last evaluated: 2025-01-10. Review status: criteria provided, single submitter. Criteria: Ambry Variant Classification Scheme 2023. Collection method: clinical testing. Allele origin: germline.

Labcorp Genetics (formerly Invitae), Labcorp
Classification: Uncertain significance for Intellectual developmental disorder, X-linked 1. Last evaluated: 2022-08-22. Review status: criteria provided, single submitter. Criteria: Invitae Variant Classification Sherloc (09022015). Collection method: clinical testing. Allele origin: germline.
Comment: In summary, the available evidence is currently insufficient to determine the role of this variant in disease. Therefore, it has been classified as a Variant of Uncertain Significance. Algorithms developed to predict the effect of missense changes on protein structure and function are either unavailable or do not agree on the potential impact of this missense change (SIFT: "Deleterious"; PolyPhen-2: "Possibly Damaging"; Align-GVGD: "Class C0"). This variant has not been reported in the literature in individuals affected with IQSEC2-related conditions. This variant is present in population databases (no rsID available, gnomAD 0.003%), including at least one homozygous and/or hemizygous individual. This sequence change replaces serine, which is neutral and polar, with leucine, which is neutral and non-polar, at codon 320 of the IQSEC2 protein (p.Ser320Leu).